The following is an entry in ClinVar:

ClinVar aggregate classification (germline): Pathogenic (1 of 4 stars; one submission).

gnomAD v4.1: 3 of 1,613,864 alleles (0.00019%); highest among the groups gnomAD compares: East Asian, 0.0067%; no homozygotes.

Submission:

Labcorp Genetics (formerly Invitae), Labcorp
Classification: Pathogenic. Last evaluated: 2023-12-13. Review status: criteria provided, single submitter. Criteria: Invitae Variant Classification Sherloc (09022015). Collection method: clinical testing. Allele origin: germline.
Comment: This sequence change creates a premature translational stop signal (p.Tyr2640*) in the TG gene. It is expected to result in an absent or disrupted protein product. Loss-of-function variants in TG are known to be pathogenic (PMID: 19837936, 23164529). This variant is present in population databases (rs2294024, gnomAD 0.006%). This variant has not been reported in the literature in individuals affected with TG-related conditions. Algorithms developed to predict the effect of sequence changes on RNA splicing suggest that this variant may disrupt the consensus splice site. For these reasons, this variant has been classified as Pathogenic.

Literature cited by the submitters: PubMed 19837936; PubMed 23164529.

NM_003235.5(TG):c.7920C>A (p.Tyr2640Ter)

Gene: TG (thyroglobulin; plus strand). Cytogenetic location: 8q24.22.
Variant type: single nucleotide variant.
Coding change: c.7920C>A on transcript NM_003235.5 (MANE Select); coding-DNA position 7920, C replaced by A.
Protein change: p.Tyr2640Ter; replaces tyrosine 2640 with a stop codon.
Molecular consequence: nonsense.
Genome position (GRCh38, 1-based): chr8:133,131,869, C>A. VCF-style: chr8-133131869-C-A. GRCh37 (hg19) VCF-style: chr8-134144113-C-A.
Other names: short protein forms Y2640*.
Identifiers: ClinVar variation 2806583 (VCV002806583.3), dbSNP rs2294024, ClinGen allele CA4885835.